The following is an entry in ClinVar:

ClinVar aggregate classification (germline): Uncertain significance (1 of 4 stars; one submission).

Conditions:
Neurofibromatosis, type 1 (NF1). Also called: Peripheral type neurofibromatosis; Neurofibromatosis, type I; VON RECKLINGHAUSEN DISEASE; NEUROFIBROMATOSIS, TYPE I, SOMATIC. Identifiers: Orphanet 636, MedGen C0027831, MONDO:0018975, OMIM 162200. Disease mechanism: loss of function.

Allele frequency attached by ClinVar (database versions not stated): gnomAD exomes below 0.00001.
gnomAD v4.1: 2 of 1,614,218 alleles (0.00012%); highest among the groups gnomAD compares: Non-Finnish European, 0.00017%; no homozygotes.

Submission:

Labcorp Genetics (formerly Invitae), Labcorp
Classification: Uncertain significance for Neurofibromatosis, type 1. Last evaluated: 2020-12-03. Review status: criteria provided, single submitter. Criteria: Invitae Variant Classification Sherloc (09022015). Collection method: clinical testing. Allele origin: germline.
Comment: In summary, the available evidence is currently insufficient to determine the role of this variant in disease. Therefore, it has been classified as a Variant of Uncertain Significance. Algorithms developed to predict the effect of sequence changes on RNA splicing suggest that this variant may create or strengthen a splice site, but this prediction has not been confirmed by published transcriptional studies. Algorithms developed to predict the effect of missense changes on protein structure and function output the following: SIFT: "Tolerated"; PolyPhen-2: "Benign"; Align-GVGD: "Class C0". The arginine amino acid residue is found in multiple mammalian species, suggesting that this missense change does not adversely affect protein function. These predictions have not been confirmed by published functional studies and their clinical significance is uncertain. This variant has not been reported in the literature in individuals with NF1-related conditions. This variant is not present in population databases (ExAC no frequency). This sequence change replaces lysine with arginine at codon 2292 of the NF1 protein (p.Lys2292Arg). The lysine residue is moderately conserved and there is a small physicochemical difference between lysine and arginine.

NM_001042492.3(NF1):c.6938A>G (p.Lys2313Arg)

Gene: NF1 (neurofibromin 1; plus strand). Cytogenetic location: 17q11.2.
Variant type: single nucleotide variant.
Coding change: c.6938A>G on transcript NM_001042492.3 (MANE Select); coding-DNA position 6938, A replaced by G.
Protein change: p.Lys2313Arg; replaces lysine 2313 with arginine.
Molecular consequence: missense variant.
Genome position (GRCh38, 1-based): chr17:31,340,521, A>G. VCF-style: chr17-31340521-A-G. GRCh37 (hg19) VCF-style: chr17-29667539-A-G.
Other names: c.6875A>G, p.Lys2292Arg (NM_000267.4); short protein forms K2292R, K2313R.
Identifiers: ClinVar variation 834314 (VCV000834314.6), dbSNP rs2069790077, ClinGen allele CA399014875.